The following is an entry in ClinVar:

NM_017849.4(TMEM127):c.655C>T (p.Pro219Ser)

Gene: TMEM127 (transmembrane protein 127; minus strand). Cytogenetic location: 2q11.2.
Variant type: single nucleotide variant.
Coding change: c.655C>T on transcript NM_017849.4 (MANE Select); coding-DNA position 655, C replaced by T.
Protein change: p.Pro219Ser; replaces proline 219 with serine.
Molecular consequence: missense variant.
Genome position (GRCh38, 1-based): chr2:96,253,870, G>A on the plus strand (C>T on the coding strand, the complement: TMEM127 is on the minus strand). VCF-style: chr2-96253870-G-A. GRCh37 (hg19) VCF-style: chr2-96919608-G-A.
Other names: c.655C>T, p.Pro219Ser (NM_001193304.3); c.403C>T, p.Pro135Ser (NM_001407282.1, NM_001407283.1); short protein forms P135S, P219S.
Identifiers: ClinVar variation 3227092 (VCV003227092.1), dbSNP rs2104283083, ClinGen allele CA347651500.
Genomic context (GRCh38, chr2:96,253,870, plus strand): 5'-AGGGTGTGTAAGCAGGGGGTGGCTGGAACTGGTTGATGACCTCATATTCCGCCGGGTAGG[G>A]CTCGTTCTCTTCCATCTCTGAGAGCAGCTCCAGCGCCTGCTCCTCTTCCTCTGTGGGGTA-3'
Protein context (NP_060319.1, residues 209-229): ELLSEMEENE[Pro219Ser]YPAEYEVINQ

ClinVar aggregate classification (germline): Uncertain significance (1 of 4 stars; one submission).

Conditions:
Hereditary cancer-predisposing syndrome. Also called: Neoplastic Syndromes, Hereditary; Tumor predisposition; Hereditary neoplastic syndrome; Hereditary Cancer Syndrome. Identifiers: Orphanet 140162, MedGen C0027672, MeSH D009386, MONDO:0015356.

Submission:

Ambry Genetics
Classification: Uncertain significance for Hereditary cancer-predisposing syndrome. Last evaluated: 2024-01-17. Review status: criteria provided, single submitter. Criteria: Ambry Variant Classification Scheme 2023. Collection method: clinical testing. Allele origin: germline.
Comment: The p.P219S variant (also known as c.655C>T), located in coding exon 3 of the TMEM127 gene, results from a C to T substitution at nucleotide position 655. The proline at codon 219 is replaced by serine, an amino acid with similar properties. This amino acid position is conserved. In addition, this alteration is predicted to be tolerated by in silico analysis. Based on the available evidence, the clinical significance of this alteration remains unclear.